The following is an entry in ClinVar:

NM_000384.3(APOB):c.9080G>A (p.Gly3027Glu)

Gene: APOB (apolipoprotein B; minus strand). Cytogenetic location: 2p24.1.
Variant type: single nucleotide variant.
Coding change: c.9080G>A on transcript NM_000384.3 (MANE Select); coding-DNA position 9080, G replaced by A.
Protein change: p.Gly3027Glu; replaces glycine 3027 with glutamic acid.
Molecular consequence: missense variant.
Genome position (GRCh38, 1-based): chr2:21,007,788, C>T on the plus strand (G>A on the coding strand, the complement: APOB is on the minus strand). VCF-style: chr2-21007788-C-T. GRCh37 (hg19) VCF-style: chr2-21230660-C-T.
Other names: short protein forms G3027E.
Identifiers: ClinVar variation 544072 (VCV000544072.13), dbSNP rs757895045, ClinGen allele CA066275.

ClinVar aggregate classification (germline): Uncertain significance. Review status: criteria provided, multiple submitters, no conflicts (2 of 4 stars). 2 submissions from 2 submitters: Uncertain significance (2). Last evaluated 2026-01-13.

Conditions:
Cardiovascular phenotype. Identifiers: MedGen CN230736.
Familial hypobetalipoproteinemia 1. Also called: Hypobetalipoproteinemia, normotriglyceridemic; Acanthocytosis with hypobetalipoproteinemia; APOB-Related Familial Hypobetalipoproteinemia. Identifiers: MedGen C4551990, MONDO:0014252, OMIM 615558.
Hypercholesterolemia, autosomal dominant, type B (FHCL2). Also called: Familial hypercholesterolemia 2; APOB-Related Familial Hypercholesterolemia, Autosomal Dominant; HYPERCHOLESTEROLEMIA, FAMILIAL, DUE TO LIGAND-DEFECTIVE APOLIPOPROTEIN B; Hyperlipoproteinemia Type IIb; Familial Hypercholesterolemia Type B; APOLIPOPROTEIN B-100, FAMILIAL DEFECTIVE. Identifiers: MedGen C1704417, MONDO:0007751, OMIM 144010.

Allele frequency attached by ClinVar (database versions not stated): gnomAD exomes below 0.00001; ExAC 0.00001.
gnomAD v4.1: 4 of 1,614,042 alleles (0.00025%); highest among the groups gnomAD compares: Non-Finnish European, 0.00034%; no homozygotes.

Submissions (2):

Labcorp Genetics (formerly Invitae), Labcorp
Classification: Uncertain significance for Familial hypobetalipoproteinemia 1; Hypercholesterolemia, autosomal dominant, type B. Last evaluated: 2026-01-13. Review status: criteria provided, single submitter. Criteria: Invitae Variant Classification Sherloc (09022015). Collection method: clinical testing. Allele origin: germline.
Comment: This sequence change replaces glycine, which is neutral and non-polar, with glutamic acid, which is acidic and polar, at codon 3027 of the APOB protein (p.Gly3027Glu). This variant is present in population databases (rs757895045, gnomAD 0.0009%). This variant has not been reported in the literature in individuals affected with APOB-related conditions. ClinVar contains an entry for this variant (Variation ID: 544072). Invitae Evidence Modeling of protein sequence and biophysical properties (such as structural, functional, and spatial information, amino acid conservation, physicochemical variation, residue mobility, and thermodynamic stability) indicates that this missense variant is not expected to disrupt APOB protein function with a negative predictive value of 95%. In summary, the available evidence is currently insufficient to determine the role of this variant in disease. Therefore, it has been classified as a Variant of Uncertain Significance.

Ambry Genetics
Classification: Uncertain significance for Cardiovascular phenotype. Last evaluated: 2020-10-07. Review status: criteria provided, single submitter. Criteria: Ambry Variant Classification Scheme 2023. Collection method: clinical testing. Allele origin: germline.
Comment: The p.G3027E variant (also known as c.9080G>A), located in coding exon 26 of the APOB gene, results from a G to A substitution at nucleotide position 9080. The glycine at codon 3027 is replaced by glutamic acid, an amino acid with similar properties. This amino acid position is highly conserved in available vertebrate species. In addition, the in silico prediction for this alteration is inconclusive. Since supporting evidence is limited at this time, the clinical significance of this alteration remains unclear.